The following is an entry in ClinVar:

NM_000481.4(AMT):c.958C>G (p.Arg320Gly)

Gene: AMT (aminomethyltransferase; minus strand). Cytogenetic location: 3p21.31.
Variant type: single nucleotide variant.
Coding change: c.958C>G on transcript NM_000481.4 (MANE Select); coding-DNA position 958, C replaced by G.
Protein change: p.Arg320Gly; replaces arginine 320 with glycine.
Molecular consequence: missense variant. On other transcripts: non-coding transcript variant (1).
Genome position (GRCh38, 1-based): chr3:49,417,893, G>C on the plus strand (C>G on the coding strand, the complement: AMT is on the minus strand). VCF-style: chr3-49417893-G-C. GRCh37 (hg19) VCF-style: chr3-49455326-G-C.
Other names: c.826C>G, p.Arg276Gly (NM_001164710.2); c.790C>G, p.Arg264Gly (NM_001164711.2); c.958C>G, p.Arg320Gly (NM_001164712.2); short protein forms R264G, R276G, R320G.
Identifiers: ClinVar variation 3340315 (VCV003340315.2).

ClinVar aggregate classification (germline): Likely pathogenic. Review status: criteria provided, multiple submitters, no conflicts (2 of 4 stars). 2 submissions from 2 submitters: Likely pathogenic (2). Last evaluated 2024-08-08.

Conditions:
Glycine encephalopathy. Also called: Nonketotic hyperglycinemia; Non-ketotic hyperglycinemia. Identifiers: Orphanet 407, MedGen C0751748, MONDO:0011612, HP:0008288.

Submissions (2):

Women's Health and Genetics/Laboratory Corporation of America, LabCorp
Classification: Likely pathogenic for Glycine encephalopathy. Last evaluated: 2024-08-08. Review status: criteria provided, single submitter. Criteria: LabCorp Variant Classification Summary - May 2015. Collection method: clinical testing. Allele origin: germline.
Comment: Variant summary: AMT c.958C>G (p.Arg320Gly) results in a non-conservative amino acid change located in the Glycine cleavage T-protein, C-terminal barrel domain (IPR013977) of the encoded protein sequence. Five of five in-silico tools predict a damaging effect of the variant on protein function. The variant was absent in 251144 control chromosomes (gnomAD). c.958C>G has been reported in the literature in a homozygous individual affected with Glycine Encephalopathy (Non-Ketotic Hyperglycinemia; Coughlin_2017). These data indicate that the variant may be associated with disease. A different variant affecting the same codon has been classified as pathogenic by our lab (c.959G>A, p.Arg320His), supporting the critical relevance of codon 320 to AMT protein function. To our knowledge, no experimental evidence demonstrating an impact on protein function has been reported. The following publication has been ascertained in the context of this evaluation (PMID: 27362913). No submitters have cited clinical-significance assessments for this variant to ClinVar. Based on the evidence outlined above, the variant was classified as likely pathogenic.

GeneDx
Classification: Likely pathogenic. Last evaluated: 2024-01-26. Review status: criteria provided, single submitter. Criteria: GeneDx Variant Classification Process June 2021. Collection method: clinical testing. Allele origin: germline. Affected: yes.
Comment: In silico analysis supports that this missense variant has a deleterious effect on protein structure/function; In silico analysis suggests this variant may impact gene splicing. In the absence of RNA/functional studies, the actual effect of this sequence change is unknown.; Not observed at significant frequency in large population cohorts (gnomAD); This variant is associated with the following publications: (PMID: 27362913, 8005589)

Literature cited by the submitters: PubMed 27362913 (cited by Women's Health and Genetics/Laboratory Corporation of America, LabCorp).